The following is an entry in ClinVar:

NM_004183.4(BEST1):c.1657A>C (p.Lys553Gln)

Gene: BEST1 (bestrophin 1; plus strand). Cytogenetic location: 11q12.3.
Variant type: single nucleotide variant.
Coding change: c.1657A>C on transcript NM_004183.4 (MANE Select); coding-DNA position 1657, A replaced by C.
Protein change: p.Lys553Gln; replaces lysine 553 with glutamine.
Molecular consequence: missense variant. On other transcripts: non-coding transcript variant (1).
Genome position (GRCh38, 1-based): chr11:61,962,811, A>C. VCF-style: chr11-61962811-A-C. GRCh37 (hg19) VCF-style: chr11-61730283-A-C.
Other names: c.1477A>C, p.Lys493Gln (NM_001139443.3, NM_001300787.2); c.1396A>C, p.Lys466Gln (NM_001300786.2); c.1339A>C, p.Lys447Gln (NM_001363591.3); c.*552A>C (NM_001363592.2); c.685A>C, p.Lys229Gln (NM_001363593.3); short protein forms K466Q, K229Q, K553Q, K447Q, K493Q.
Identifiers: ClinVar variation 2872871 (VCV002872871.3), dbSNP rs775113722, ClinGen allele CA6041098.

ClinVar aggregate classification (germline): Uncertain significance (1 of 4 stars; one submission).

gnomAD v4.1: 17 of 1,614,192 alleles (0.0011%); highest among the groups gnomAD compares: South Asian, 0.019%; no homozygotes.

Submission:

Labcorp Genetics (formerly Invitae), Labcorp
Classification: Uncertain significance. Last evaluated: 2025-12-20. Review status: criteria provided, single submitter. Criteria: Invitae Variant Classification Sherloc (09022015). Collection method: clinical testing. Allele origin: germline.
Comment: This sequence change replaces lysine, which is basic and polar, with glutamine, which is neutral and polar, at codon 553 of the BEST1 protein (p.Lys553Gln). This variant is present in population databases (rs775113722, gnomAD 0.01%). This variant has not been reported in the literature in individuals affected with BEST1-related conditions. ClinVar contains an entry for this variant (Variation ID: 2872871). An algorithm developed to predict the effect of missense changes on protein structure and function outputs the following: PolyPhen-2: "Benign". The glutamine amino acid residue is found in multiple mammalian species, which suggests that this missense change does not adversely affect protein function. In summary, the available evidence is currently insufficient to determine the role of this variant in disease. Therefore, it has been classified as a Variant of Uncertain Significance.